The following is an entry in ClinVar:

NM_000051.4(ATM):c.185+9T>G

Gene: ATM (ATM serine/threonine kinase; plus strand). Cytogenetic location: 11q22.3.
Variant type: single nucleotide variant.
Coding change: c.185+9T>G on transcript NM_000051.4 (MANE Select); 9 bases into the intron after coding-DNA position 185, T replaced by G.
Molecular consequence: intron variant.
Genome position (GRCh38, 1-based): chr11:108,227,897, T>G. VCF-style: chr11-108227897-T-G. GRCh37 (hg19) VCF-style: chr11-108098624-T-G.
Other names: c.185+9T>G (NM_001351834.2, NM_001351835.2, NM_001351836.2).
Identifiers: ClinVar variation 2084994 (VCV002084994.5), dbSNP rs2496899040, ClinGen allele CA2580083114.

ClinVar aggregate classification (germline): Likely benign. Review status: criteria provided, multiple submitters, no conflicts (2 of 4 stars). 2 submissions from 2 submitters: Likely benign (2). Last evaluated 2024-04-17.

Conditions:
Ataxia-telangiectasia syndrome (AT). Also called: Cerebello-oculocutaneous telangiectasia; Immunodeficiency with ataxia telangiectasia; AT, COMPLEMENTATION GROUP C; Ataxia-telangiectasia; Ataxia-telangiectasia, complementation group E; Ataxia telangiectasia (A-T). Identifiers: Orphanet 100, MedGen C0004135, MONDO:0008840, OMIM 208900.
Familial cancer of breast. Also called: hereditary breast carcinoma; Hereditary breast cancer; BREAST CANCER, FAMILIAL. Identifiers: Orphanet 227535, MedGen C0346153, MONDO:0016419, OMIM 114480. Disease mechanism: loss of function.

Submissions (2):

Myriad Genetics, Inc.
Classification: Likely benign for Familial cancer of breast. Last evaluated: 2024-04-17. Review status: criteria provided, single submitter. Criteria: Myriad Autosomal Dominant, Autosomal Recessive and X-Linked Classification Criteria (2023). Collection method: clinical testing. Allele origin: unknown.
Comment: This variant is considered likely benign. This variant is intronic and is not expected to impact mRNA splicing.

Labcorp Genetics (formerly Invitae), Labcorp
Classification: Likely benign for Ataxia-telangiectasia syndrome. Last evaluated: 2024-01-04. Review status: criteria provided, single submitter. Criteria: Invitae Variant Classification Sherloc (09022015). Collection method: clinical testing. Allele origin: germline.